The following is an entry in ClinVar:

ClinVar aggregate classification (germline): Pathogenic (1 of 4 stars; one submission).

Submission:

Labcorp Genetics (formerly Invitae), Labcorp
Classification: Pathogenic. Last evaluated: 2024-05-18. Review status: criteria provided, single submitter. Criteria: Invitae Variant Classification Sherloc (09022015). Collection method: clinical testing. Allele origin: germline.
Comment: This sequence change creates a premature translational stop signal (p.Ala578Glufs*18) in the LPIN1 gene. It is expected to result in an absent or disrupted protein product. Loss-of-function variants in LPIN1 are known to be pathogenic (PMID: 18817903, 20583302, 22481384, 26111941). This variant is not present in population databases (gnomAD no frequency). This variant has not been reported in the literature in individuals affected with LPIN1-related conditions. For these reasons, this variant has been classified as Pathogenic.

Literature cited by the submitters: PubMed 18817903; PubMed 20583302; PubMed 22481384; PubMed 26111941.

NM_001349206.2(LPIN1):c.1841_1845del (p.Ala614fs)

Gene: LPIN1 (lipin 1; plus strand). Cytogenetic location: 2p25.1.
Variant type: Deletion.
Coding change: c.1841_1845del on transcript NM_001349206.2 (MANE Select); coding-DNA positions 1841 to 1845, 5 bases deleted (CCCAT; older notation c.1841_1845delCCCAT).
Protein change: p.Ala614fs; shifts the reading frame from alanine 614.
Molecular consequence: frameshift variant. On other transcripts: non-coding transcript variant (1).
Genome position (GRCh38, 1-based): chr2:11,795,442-11,795,446, CCCAT deleted. VCF-style (leftmost placement, unchanged base first): chr2-11795441-GCCCAT-G. GRCh37 (hg19) VCF-style: chr2-11935567-GCCCAT-G.
Other names: c.1751_1755del, p.Ala584fs (NM_001261427.3); c.1988_1992del, p.Ala663fs (NM_001261428.3); c.1733_1737del, p.Ala578fs (NM_001349199.2, NM_145693.4); c.1811_1815del, p.Ala604fs (NM_001349200.2, NM_001349201.2); c.1838_1842del, p.Ala613fs (NM_001349202.2, NM_001349203.2); c.1841_1845del, p.Ala614fs (NM_001349204.2, NM_001349205.2); c.1931_1935del, p.Ala644fs (NM_001349207.2); c.1880_1884del, p.Ala627fs (NM_001349208.2); short protein forms A578fs, A644fs, A663fs, A584fs, A613fs, A604fs, A614fs, A627fs.
Identifiers: ClinVar variation 3653808 (VCV003653808.2).